The following is an entry in ClinVar:

ClinVar aggregate classification (germline): Pathogenic (1 of 4 stars; one submission).

Submission:

Labcorp Genetics (formerly Invitae), Labcorp
Classification: Pathogenic. Last evaluated: 2024-12-02. Review status: criteria provided, single submitter. Criteria: Invitae Variant Classification Sherloc (09022015). Collection method: clinical testing. Allele origin: germline.
Comment: This sequence change creates a premature translational stop signal (p.Tyr194*) in the TYRP1 gene. It is expected to result in an absent or disrupted protein product. Loss-of-function variants in TYRP1 are known to be pathogenic (PMID: 8651291, 9345097). This variant is not present in population databases (gnomAD no frequency). This variant has not been reported in the literature in individuals affected with TYRP1-related conditions. ClinVar contains an entry for this variant (Variation ID: 1912148). Algorithms developed to predict the effect of sequence changes on RNA splicing suggest that this variant may disrupt the consensus splice site. For these reasons, this variant has been classified as Pathogenic.

Literature cited by the submitters: PubMed 8651291; PubMed 9345097.

NM_000550.3(TYRP1):c.582_585del (p.Tyr193_Tyr194insTer)

Gene: TYRP1 (tyrosinase related protein 1; plus strand). Cytogenetic location: 9p23.
Variant type: Deletion.
Coding change: c.582_585del on transcript NM_000550.3 (MANE Select); coding-DNA positions 582 to 585, 4 bases deleted (CTCA; older notation c.582_585delCTCA).
Protein change: p.Tyr193_Tyr194insTer.
Molecular consequence: nonsense.
Genome position (GRCh38, 1-based): chr9:12,695,711-12,695,714, CTCA deleted; deleting any 4 consecutive bases within chr9:12,695,710-12,695,714 gives the same sequence; the c. name uses the placement nearest the transcript's 3' end. VCF-style (leftmost placement, unchanged base first): chr9-12695709-TACTC-T. GRCh37 (hg19) VCF-style: chr9-12695709-TACTC-T.
Identifiers: ClinVar variation 1912148 (VCV001912148.5), dbSNP rs1818068588, ClinGen allele CA1834018275.